The following is an entry in ClinVar:

NM_001024630.4(RUNX2):c.1049del (p.Cys350fs)

Gene: RUNX2 (RUNX family transcription factor 2; plus strand). Cytogenetic location: 6p21.1.
Variant type: Deletion.
Coding change: c.1049del on transcript NM_001024630.4 (MANE Select); coding-DNA position 1049, one base deleted (G; older notation c.1049delG).
Protein change: p.Cys350fs; shifts the reading frame from cysteine 350.
Molecular consequence: frameshift variant. On other transcripts: intron variant (2).
Genome position (GRCh38, 1-based): chr6:45,545,244, G deleted. VCF-style (leftmost placement, unchanged base first): chr6-45545243-TG-T. GRCh37 (hg19) VCF-style: chr6-45512980-TG-T.
Other names: c.1007del, p.Cys336fs (NM_001369405.1); c.1022-1583del (NM_001015051.4); c.980-1583del (NM_001278478.2); short protein forms C336fs, C350fs.
Identifiers: ClinVar variation 4884411 (VCV004884411.1).
Genomic context (GRCh38, chr6:45,545,243, plus strand): 5'-AGGGAACTTAGAGCTCATCCCCCTCATTTTACAGATGATGACACTGCCACCTCTGACTTC[TG>T]CCTCTGGCCTTCCACTCTCAGTAAGAAGAGCCAGGCAGGTGAGACTTTTAACAATTGCTG-3'

ClinVar aggregate classification (germline): Likely pathogenic (1 of 4 stars; one submission).

Conditions:
Cleidocranial dysostosis (CLCD1). Also called: Marie-Sainton disease; Cleidocranial Dysplasia Spectrum Disorder; cleidocranial dysplasia 1. Identifiers: Orphanet 1452, MedGen C0008928, MONDO:0007340, OMIM 119600.

Submission:

Division of Genetic & Genomic Pathology, Hong Kong Children's Hospital
Classification: Likely pathogenic for Cleidocranial dysostosis. Last evaluated: 2024-10-03. Review status: criteria provided, single submitter. Criteria: ACMG Guidelines, 2015. Collection method: clinical testing. Allele origin: germline. Affected: yes.
Comment: RUNX2 c.1049del p.(Cys350SerfsTer134) is a 1-bp frameshift deletion located in exon 8 (out of 9 exons) of RUNX2 gene. It is not predicted to undergo nonsense-mediated mRNA decay but is expected to alter the C-terminal end of the proline/serine/threonine-rich domain. The variant is absent from control populations (gnomAD v2.1.1 and v4.1.0). It has not been reported in HGMD Professional v2024.2 or ClinVar. Multiple downstream truncating RUNX2 variants have been reported in patients with cleidocranial dysplasia (PMID: 21734816, 20560987, 10521292, 20648631, 33647526, 33987976). For these reasons, RUNX2 c.1049del p.(Cys350SerfsTer134) is classified as likely pathogenic.

Literature cited by the submitters: PubMed 21734816; PubMed 20560987; PubMed 10521292; PubMed 20648631; PubMed 33647526; PubMed 33987976.